The following is an entry in ClinVar:

NM_000293.3(PHKB):c.1068+24A>G

Gene: PHKB (phosphorylase kinase regulatory subunit beta; plus strand). Cytogenetic location: 16q12.1.
Variant type: single nucleotide variant.
Coding change: c.1068+24A>G on transcript NM_000293.3 (MANE Select); 24 bases into the intron after coding-DNA position 1068, A replaced by G.
Molecular consequence: intron variant.
Genome position (GRCh38, 1-based): chr16:47,589,126, A>G. VCF-style: chr16-47589126-A-G. GRCh37 (hg19) VCF-style: chr16-47623037-A-G.
Other names: p.?; c.1068+24A>G (NM_001363837.1); c.1047+24A>G (NM_001031835.3).
Identifiers: ClinVar variation 4684096 (VCV004684096.1).

ClinVar aggregate classification (germline): Likely benign (1 of 4 stars; one submission).

gnomAD v4.1: 48 of 1,543,282 alleles (0.0031%); highest among the groups gnomAD compares: Non-Finnish European, 0.0043%; no homozygotes.

Submission:

Mayo Clinic Laboratories, Mayo Clinic
Classification: Likely benign. Last evaluated: 2025-07-11. Review status: criteria provided, single submitter. Criteria: ACMG Guidelines, 2015. Collection method: clinical testing. Allele origin: germline. Observed: 1 variant allele.
Comment: BP4, BP7